The following is an entry in ClinVar:

ClinVar aggregate classification (germline): Uncertain significance (1 of 4 stars; one submission).

Allele frequency attached by ClinVar (database versions not stated): ExAC 0.00001; gnomAD 0.00001; gnomAD exomes 0.00001; TOPMed 0.00002; ESP Exome Variant Server 0.00008.
gnomAD v4.1: 34 of 1,614,060 alleles (0.0021%); highest among the groups gnomAD compares: African/African-American, 0.023%; 2 homozygotes.

Submission:

Labcorp Genetics (formerly Invitae), Labcorp
Classification: Uncertain significance. Last evaluated: 2023-04-24. Review status: criteria provided, single submitter. Criteria: Invitae Variant Classification Sherloc (09022015). Collection method: clinical testing. Allele origin: germline.
Comment: In summary, the available evidence is currently insufficient to determine the role of this variant in disease. Therefore, it has been classified as a Variant of Uncertain Significance. An algorithm developed to predict the effect of missense changes on protein structure and function (PolyPhen-2) suggests that this variant¬† is likely to be tolerated. ClinVar contains an entry for this variant (Variation ID: 1011936). This variant has not been reported in the literature in individuals affected with NDUFAF4-related conditions. This variant is present in population databases (rs112722560, gnomAD 0.007%). This sequence change replaces isoleucine, which is neutral and non-polar, with valine, which is neutral and non-polar, at codon 22 of the NDUFAF4 protein (p.Ile22Val).

NM_014165.4(NDUFAF4):c.64A>G (p.Ile22Val)

Genes: NDUFAF4 (NADH:ubiquinone oxidoreductase complex assembly factor 4; minus strand), LOC129996857 (ATAC-STARR-seq lymphoblastoid active region 24846; plus strand). Cytogenetic location: 6q16.1.
Variant type: single nucleotide variant.
Coding change: c.64A>G on transcript NM_014165.4 (MANE Select); coding-DNA position 64, A replaced by G.
Protein change: p.Ile22Val; replaces isoleucine 22 with valine.
Molecular consequence: missense variant.
Genome position (GRCh38, 1-based): chr6:96,897,738, T>C on the plus strand (A>G on the coding strand, the complement: NDUFAF4 is on the minus strand). VCF-style: chr6-96897738-T-C. GRCh37 (hg19) VCF-style: chr6-97345614-T-C.
Other names: short protein forms I22V.
Identifiers: ClinVar variation 1011936 (VCV001011936.5), dbSNP rs112722560, ClinGen allele CA3931492.
Genomic context (GRCh38, chr6:96,897,738, plus strand): 5'-CTCGCAGGAGGCTGTTGGTAGAGGGGTGTCTGGGAGCGACAGAGGGCTTCATCTTGCTGA[T>C]TTCCCGTTCCGCTCGGTTCTCTAGGTTGAAATTCCTGATACCGCGAATCACTAGTGCTCC-3'
Protein context (NP_054884.1, residues 12-32): FNLENRAERE[Ile22Val]SKMKPSVAPR